The following is an entry in ClinVar:

ClinVar aggregate classification (germline): Uncertain significance. Review status: criteria provided, multiple submitters, no conflicts (2 of 4 stars). 2 submissions from 2 submitters: Uncertain significance (2). Last evaluated 2025-06-15.

Conditions:
Hereditary nonpolyposis colorectal neoplasms. Identifiers: MedGen C0009405, MeSH D003123.
Hereditary cancer-predisposing syndrome. Also called: Hereditary Cancer Syndrome; Neoplastic Syndromes, Hereditary; Tumor predisposition; Hereditary neoplastic syndrome. Identifiers: Orphanet 140162, MedGen C0027672, MeSH D009386, MONDO:0015356.

Submissions (2):

Labcorp Genetics (formerly Invitae), Labcorp
Classification: Uncertain significance for Hereditary nonpolyposis colorectal neoplasms. Last evaluated: 2025-06-15. Review status: criteria provided, single submitter. Criteria: Invitae Variant Classification Sherloc (09022015). Collection method: clinical testing. Allele origin: germline.
Comment: This sequence change replaces lysine, which is basic and polar, with arginine, which is basic and polar, at codon 178 of the PMS2 protein (p.Lys178Arg). This variant is not present in population databases (gnomAD no frequency). This variant has not been reported in the literature in individuals affected with PMS2-related conditions. ClinVar contains an entry for this variant (Variation ID: 1746915). Invitae Evidence Modeling incorporating data from in vitro experimental studies (internal data) indicates that this missense variant is not expected to disrupt PMS2 function with a negative predictive value of 95%. In summary, the available evidence is currently insufficient to determine the role of this variant in disease. Therefore, it has been classified as a Variant of Uncertain Significance.

Ambry Genetics
Classification: Uncertain significance for Hereditary cancer-predisposing syndrome. Last evaluated: 2024-08-09. Review status: criteria provided, single submitter. Criteria: Ambry Variant Classification Scheme 2023. Collection method: clinical testing. Allele origin: germline.
Comment: The p.K178R variant (also known as c.533A>G), located in coding exon 5 of the PMS2 gene, results from an A to G substitution at nucleotide position 533. The lysine at codon 178 is replaced by arginine, an amino acid with highly similar properties. This amino acid position is highly conserved in available vertebrate species. In addition, the in silico prediction for this alteration is inconclusive. Based on the available evidence, the clinical significance of this variant remains unclear.

NM_000535.7(PMS2):c.533A>G (p.Lys178Arg)

Gene: PMS2 (PMS1 homolog 2, mismatch repair system component; minus strand). Cytogenetic location: 7p22.1.
Variant type: single nucleotide variant.
Coding change: c.533A>G on transcript NM_000535.7 (MANE Select); coding-DNA position 533, A replaced by G.
Protein change: p.Lys178Arg; replaces lysine 178 with arginine.
Molecular consequence: missense variant. On other transcripts: 5 prime UTR variant (2), non-coding transcript variant (1).
Genome position (GRCh38, 1-based): chr7:6,002,457, T>C on the plus strand (A>G on the coding strand, the complement: PMS2 is on the minus strand). VCF-style: chr7-6002457-T-C. GRCh37 (hg19) VCF-style: chr7-6042088-T-C.
Other names: c.128A>G, p.Lys43Arg (NM_001018040.1, NM_001322003.2, NM_001322004.2 and 25 more transcripts); c.533A>G, p.Lys178Arg (NM_001322006.2, NM_001322014.2, NM_001406869.1 and 8 more transcripts); c.215A>G, p.Lys72Arg (NM_001322007.2, NM_001322008.2, NM_001406876.1 and 4 more transcripts); c.-352A>G (NM_001322011.2, NM_001322012.2); c.224A>G, p.Lys75Arg (NM_001322015.2, NM_001406875.1, NM_001406877.1 and 6 more transcripts); c.719A>G, p.Lys240Arg (NM_001406866.1); c.557A>G, p.Lys186Arg (NM_001406868.1); short protein forms K178R, K43R, K75R, K186R, K240R, K72R.
Identifiers: ClinVar variation 1746915 (VCV001746915.5), dbSNP rs1785187351, ClinGen allele CA366744157.